The following is an entry in ClinVar:

NM_006231.4(POLE):c.2172G>T (p.Ala724=)

Gene: POLE (DNA polymerase epsilon, catalytic subunit; minus strand). Cytogenetic location: 12q24.33.
Variant type: single nucleotide variant.
Coding change: c.2172G>T on transcript NM_006231.4 (MANE Select); coding-DNA position 2172, G replaced by T.
Protein change: p.Ala724=; no amino-acid change (alanine 724 retained).
Molecular consequence: synonymous variant.
Genome position (GRCh38, 1-based): chr12:132,668,357, C>A on the plus strand (G>T on the coding strand, the complement: POLE is on the minus strand). VCF-style: chr12-132668357-C-A. GRCh37 (hg19) VCF-style: chr12-133244943-C-A.
Identifiers: ClinVar variation 845120 (VCV000845120.12), dbSNP rs372240734, ClinGen allele CA482722073.

ClinVar aggregate classification (germline): Conflicting classifications of pathogenicity. Review status: criteria provided, conflicting classifications (1 of 4 stars). 2 submissions from 2 submitters: Uncertain significance (1); Likely benign (1). Last evaluated 2023-10-13.

Conditions:
Hereditary cancer-predisposing syndrome. Also called: Tumor predisposition; Hereditary neoplastic syndrome; Neoplastic Syndromes, Hereditary; Hereditary Cancer Syndrome. Identifiers: Orphanet 140162, MedGen C0027672, MeSH D009386, MONDO:0015356.

gnomAD v4.1: 1 of 1,568,266 alleles (0.000064%); no homozygotes.

Submissions (2):

Labcorp Genetics (formerly Invitae), Labcorp
Classification: Uncertain significance. Last evaluated: 2023-10-13. Review status: criteria provided, single submitter. Criteria: Invitae Variant Classification Sherloc (09022015). Collection method: clinical testing. Allele origin: germline.
Comment: This sequence change affects codon 724 of the POLE mRNA. It is a 'silent' change, meaning that it does not change the encoded amino acid sequence of the POLE protein. It affects a nucleotide within the consensus splice site. This variant is not present in population databases (gnomAD no frequency). This variant has not been reported in the literature in individuals affected with POLE-related conditions. ClinVar contains an entry for this variant (Variation ID: 845120). Algorithms developed to predict the effect of sequence changes on RNA splicing suggest that this variant is not likely to affect RNA splicing. In summary, the available evidence is currently insufficient to determine the role of this variant in disease. Therefore, it has been classified as a Variant of Uncertain Significance.

Ambry Genetics
Classification: Likely benign for Hereditary cancer-predisposing syndrome. Last evaluated: 2019-03-06. Review status: criteria provided, single submitter. Criteria: Ambry Variant Classification Scheme 2023. Collection method: clinical testing. Allele origin: germline.